The following is an entry in ClinVar:

ClinVar aggregate classification (germline): Uncertain significance (1 of 4 stars; one submission).

Conditions:
Familial adenomatous polyposis 1 (FAP1). Also called: FAMILIAL ADENOMATOUS POLYPOSIS 1, ATTENUATED; POLYPOSIS, ADENOMATOUS INTESTINAL. Identifiers: MedGen C2713442, MONDO:0021056, OMIM 175100. Disease mechanism: loss of function.

Submission:

Labcorp Genetics (formerly Invitae), Labcorp
Classification: Uncertain significance for Familial adenomatous polyposis 1. Last evaluated: 2025-02-11. Review status: criteria provided, single submitter. Criteria: Invitae Variant Classification Sherloc (09022015). Collection method: clinical testing. Allele origin: germline.
Comment: This variant occurs in a non-coding region of the APC gene. It does not change the encoded amino acid sequence of the APC protein. This variant is not present in population databases (gnomAD no frequency). This variant has not been reported in the literature in individuals affected with APC-related conditions. Experimental studies and prediction algorithms are not available or were not evaluated, and the functional significance of this variant is currently unknown. In summary, the available evidence is currently insufficient to determine the role of this variant in disease. Therefore, it has been classified as a Variant of Uncertain Significance.

NC_000005.10:g.112707339A>C

Gene: APC (APC regulator of Wnt signaling pathway; plus strand). Cytogenetic location: 5q22.2.
Variant type: single nucleotide variant.
Genome position: GRCh38 VCF-style: chr5-112707339-A-C. GRCh37 (hg19) VCF-style: chr5-112043036-A-C.
Identifiers: ClinVar variation 4712801 (VCV004712801.1).